The following is an entry in ClinVar:

ClinVar aggregate classification (germline): Likely pathogenic. Review status: criteria provided, multiple submitters, no conflicts (2 of 4 stars). 4 submissions from 4 submitters: Likely pathogenic (4). Last evaluated 2025-09-30.

Conditions:
AIRE-related disorder. Also called: AIRE-related condition.
Polyglandular autoimmune syndrome, type 1 (APS1). Also called: AUTOIMMUNE POLYENDOCRINE SYNDROME, TYPE I, WITH OR WITHOUT REVERSIBLE METAPHYSEAL DYSPLASIA; APS I; HYPOADRENOCORTICISM WITH HYPOPARATHYROIDISM AND SUPERFICIAL MONILIASIS; PGA I; Whitaker syndrome; Autoimmune polyendocrinopathy syndrome , type I, with or without reversible metaphyseal dysplasia. Identifiers: Orphanet 3453, MedGen C0085859, MONDO:0009411, OMIM 240300.

Allele frequency attached by ClinVar (database versions not stated): gnomAD exomes below 0.00001; gnomAD 0.00001; TOPMed 0.00002.
gnomAD v4.1: 4 of 1,554,140 alleles (0.00026%); highest among the groups gnomAD compares: Admixed American, 0.0038%; no homozygotes.

Submissions (4):

Natera, Inc.
Classification: Likely pathogenic for Polyglandular autoimmune syndrome type 1. Last evaluated: 2025-09-30. Review status: criteria provided, single submitter. Criteria: Natera Variant Classification Schema (03/2026). Collection method: clinical testing. Allele origin: germline.
Comment: The c.1278+1G>A variant in AIRE is a canonical splice donor site variant predicted to affect pre-mRNA splicing, which may result in an abnormal transcript and altered protein product. This variant is expected to result in nonsense mediated decay, truncation, or a dysfunctional protein product. This variant is rare in the general population with a frequency below the threshold expected for the associated phenotype(s). Given the available evidence, this variant is classified as Likely Pathogenic.

Fulgent Genetics
Classification: Likely pathogenic for Polyglandular autoimmune syndrome, type 1. Last evaluated: 2024-03-29. Review status: criteria provided, single submitter. Criteria: ACMG Guidelines, 2015. Collection method: clinical testing. Allele origin: germline.

Labcorp Genetics (formerly Invitae), Labcorp
Classification: Likely pathogenic for Polyglandular autoimmune syndrome, type 1. Last evaluated: 2023-03-04. Review status: criteria provided, single submitter. Criteria: Invitae Variant Classification Sherloc (09022015). Collection method: clinical testing. Allele origin: germline.
Comment: Algorithms developed to predict the effect of sequence changes on RNA splicing suggest that this variant may disrupt the consensus splice site. ClinVar contains an entry for this variant (Variation ID: 1068340). This variant has not been reported in the literature in individuals affected with AIRE-related conditions. This variant is present in population databases (no rsID available, gnomAD 0.004%). This sequence change affects a donor splice site in intron 10 of the AIRE gene. It is expected to disrupt RNA splicing. Variants that disrupt the donor or acceptor splice site typically lead to a loss of protein function (PMID: 16199547), and loss-of-function variants in AIRE are known to be pathogenic (PMID: 11524731, 26141571). In summary, the currently available evidence indicates that the variant is pathogenic, but additional data are needed to prove that conclusively. Therefore, this variant has been classified as Likely Pathogenic.

Blueprint Genetics
Classification: Likely pathogenic for AIRE-related disorders. Last evaluated: 2021-06-10. Review status: criteria provided, single submitter. Criteria: ACMG Guidelines, 2015. Collection method: clinical testing. Allele origin: germline. Affected: yes. Observed: 1 variant allele.

Literature cited by the submitters: PubMed 16199547 (cited by Labcorp Genetics (formerly Invitae), Labcorp); PubMed 11524731 (cited by Labcorp Genetics (formerly Invitae), Labcorp); PubMed 26141571 (cited by Labcorp Genetics (formerly Invitae), Labcorp).

NM_000383.4(AIRE):c.1278+1G>A

Gene: AIRE (autoimmune regulator; plus strand). Cytogenetic location: 21q22.3.
Variant type: single nucleotide variant.
Coding change: c.1278+1G>A on transcript NM_000383.4 (MANE Select); the canonical splice donor site of the intron after coding-DNA position 1278, G replaced by A.
Molecular consequence: splice donor variant.
Genome position (GRCh38, 1-based): chr21:44,293,176, G>A. VCF-style: chr21-44293176-G-A. GRCh37 (hg19) VCF-style: chr21-45713059-G-A.
Other names: c.1278+1G>A (NM_000383.3).
Identifiers: ClinVar variation 1068340 (VCV001068340.14), dbSNP rs1184559866, ClinGen allele CA410425596.